The following is an entry in ClinVar:

NM_001378120.1(MBD5):c.114-12C>G

Gene: MBD5 (methyl-CpG binding domain protein 5; plus strand). Cytogenetic location: 2q23.1.
Variant type: single nucleotide variant.
Coding change: c.114-12C>G on transcript NM_001378120.1 (MANE Select); 12 bases into the intron before coding-DNA position 114, C replaced by G.
Molecular consequence: intron variant.
Genome position (GRCh38, 1-based): chr2:148,462,570, C>G. VCF-style: chr2-148462570-C-G. GRCh37 (hg19) VCF-style: chr2-149220139-C-G.
Other names: c.114-12C>G (NM_018328.5, NM_001438862.1, NM_001438854.1 and 7 more transcripts).
Identifiers: ClinVar variation 5003101 (VCV005003101.1).
Genomic context (GRCh38, chr2:148,462,570, plus strand): 5'-AATTATGCCTTTTTTCATATAATATGTGTAGTCAAAATTATTTCCTGATGTTTTTTTAAA[C>G]TATTTTTACAGTCCCAGTGGGTCTTTGTTATCTTGCTTGGAGCAGGTTAAAACATACCTG-3'

ClinVar aggregate classification (germline): Uncertain significance (1 of 4 stars; one submission).

Conditions:
Intellectual developmental disorder, autosomal dominant 1. Also called: MBD5 Haploinsufficiency; Intellectual disability, autosomal dominant 1. Identifiers: Orphanet 228402, MedGen C1969562, MONDO:0007974, OMIM 156200.

Submission:

OLLIN Analises Genomicas, OLLIN
Classification: Uncertain significance for Intellectual developmental disorder, autosomal dominant 1. Last evaluated: 2026-08-06. Review status: criteria provided, single submitter. Criteria: ACMG Guidelines 2015 PMID 25741868. Collection method: clinical testing. Allele origin: germline.
Comment: This variant is absent from gnomAD and ClinVar and has not been found in the scientific literature. Another pathogenic variant has been reported to result in the same amino acid substitution. According to the currently available evidence, this variant has been classified as uncertain significance (PS1_P, PM2_P, PP3).